The following is an entry in ClinVar:

NM_001363711.2(DUOX2):c.4178C>T (p.Ala1393Val)

Gene: DUOX2 (dual oxidase 2; minus strand). Cytogenetic location: 15q21.1.
Variant type: single nucleotide variant.
Coding change: c.4178C>T on transcript NM_001363711.2 (MANE Select); coding-DNA position 4178, C replaced by T.
Protein change: p.Ala1393Val; replaces alanine 1393 with valine.
Molecular consequence: missense variant.
Genome position (GRCh38, 1-based): chr15:45,095,498, G>A on the plus strand (C>T on the coding strand, the complement: DUOX2 is on the minus strand). VCF-style: chr15-45095498-G-A. GRCh37 (hg19) VCF-style: chr15-45387696-G-A.
Other names: c.4178C>T, p.Ala1393Val (NM_014080.5); short protein forms A1393V.
Identifiers: ClinVar variation 3672986 (VCV003672986.2).

ClinVar aggregate classification (germline): Uncertain significance (1 of 4 stars; one submission).

Submission:

Labcorp Genetics (formerly Invitae), Labcorp
Classification: Uncertain significance. Last evaluated: 2024-07-17. Review status: criteria provided, single submitter. Criteria: Invitae Variant Classification Sherloc (09022015). Collection method: clinical testing. Allele origin: germline.
Comment: This sequence change replaces alanine, which is neutral and non-polar, with valine, which is neutral and non-polar, at codon 1393 of the DUOX2 protein (p.Ala1393Val). This variant is not present in population databases (gnomAD no frequency). This variant has not been reported in the literature in individuals affected with DUOX2-related conditions. Advanced modeling of protein sequence and biophysical properties (such as structural, functional, and spatial information, amino acid conservation, physicochemical variation, residue mobility, and thermodynamic stability) performed at Invitae indicates that this missense variant is expected to disrupt DUOX2 protein function with a positive predictive value of 80%. In summary, the available evidence is currently insufficient to determine the role of this variant in disease. Therefore, it has been classified as a Variant of Uncertain Significance.